The following is an entry in ClinVar:

NM_001330078.2(NRXN1):c.772+9C>T

Gene: NRXN1 (neurexin 1; minus strand). Cytogenetic location: 2p16.3.
Variant type: single nucleotide variant.
Coding change: c.772+9C>T on transcript NM_001330078.2 (MANE Select); 9 bases into the intron after coding-DNA position 772, C replaced by T.
Molecular consequence: intron variant.
Genome position (GRCh38, 1-based): chr2:51,027,493, G>A on the plus strand (C>T on the coding strand, the complement: NRXN1 is on the minus strand). VCF-style: chr2-51027493-G-A. GRCh37 (hg19) VCF-style: chr2-51254631-G-A.
Other names: c.772+9C>T (NM_001330096.2, NM_001330087.2, NM_001330083.2 and 15 more transcripts).
Identifiers: ClinVar variation 514044 (VCV000514044.9), dbSNP rs1297063034, ClinGen allele CA532707904.

ClinVar aggregate classification (germline): Likely benign. Review status: criteria provided, multiple submitters, no conflicts (2 of 4 stars). 3 submissions from 3 submitters: Likely benign (3). Last evaluated 2026-01-13.

Conditions:
Pitt-Hopkins-like syndrome 2 (PTHSL2). Identifiers: Orphanet 221150, Orphanet 600663, MedGen C3280479, MONDO:0013690, OMIM 614325.

gnomAD v4.1: 9 of 1,506,538 alleles (0.0006%); highest among the groups gnomAD compares: Admixed American, 0.0043%; no homozygotes.

Submissions (3):

Labcorp Genetics (formerly Invitae), Labcorp
Classification: Likely benign for Pitt-Hopkins-like syndrome 2. Last evaluated: 2026-01-13. Review status: criteria provided, single submitter. Criteria: Invitae Variant Classification Sherloc (09022015). Collection method: clinical testing. Allele origin: germline.

Blueprint Genetics
Classification: Likely benign. Last evaluated: 2022-12-09. Review status: criteria provided, single submitter. Criteria: ACMG Guidelines, 2015. Collection method: clinical testing. Allele origin: germline.

GeneDx
Classification: Likely benign. Last evaluated: 2017-12-15. Review status: criteria provided, single submitter. Criteria: GeneDx Variant Classification (06012015). Collection method: clinical testing. Allele origin: germline. Affected: yes.
Comment: This variant is considered likely benign or benign based on one or more of the following criteria: it is a conservative change, it occurs at a poorly conserved position in the protein, it is predicted to be benign by multiple in silico algorithms, and/or has population frequency not consistent with disease.